The following is an entry in ClinVar:

NM_000143.4(FH):c.32C>G (p.Ser11Trp)

Gene: FH (fumarate hydratase; minus strand). Cytogenetic location: 1q43.
Variant type: single nucleotide variant.
Coding change: c.32C>G on transcript NM_000143.4 (MANE Select); coding-DNA position 32, C replaced by G.
Protein change: p.Ser11Trp; replaces serine 11 with tryptophan.
Molecular consequence: missense variant.
Genome position (GRCh38, 1-based): chr1:241,519,691, G>C on the plus strand (C>G on the coding strand, the complement: FH is on the minus strand). VCF-style: chr1-241519691-G-C. GRCh37 (hg19) VCF-style: chr1-241682991-G-C.
Other names: short protein forms S11W.
Identifiers: ClinVar variation 2914082 (VCV002914082.5), dbSNP rs1226883651, ClinGen allele CA345443020.
Genomic context (GRCh38, chr1:241,519,691, plus strand): 5'-GCGCCACCCAAGCCGGGAGCCGAAGCTAAGGCTGCGGCTGGAGCCCGCACGAGGGGACGC[G>C]AGCGCGCGAGGAGCCGAAGTGCTCGGTACATGGTGCTGAGGGAGCTTGGGTAGAATTTCT-3'
Protein context (NP_000134.2, residues 1-21): MYRALRLLAR[Ser11Trp]RPLVRAPAAA

ClinVar aggregate classification (germline): Uncertain significance. Review status: criteria provided, multiple submitters, no conflicts (2 of 4 stars). 3 submissions from 3 submitters: Uncertain significance (3). Last evaluated 2025-08-21.

Conditions:
Hereditary cancer-predisposing syndrome. Also called: Neoplastic Syndromes, Hereditary; Tumor predisposition; Hereditary Cancer Syndrome; Hereditary neoplastic syndrome. Identifiers: Orphanet 140162, MedGen C0027672, MeSH D009386, MONDO:0015356.

Allele frequency attached by ClinVar (database versions not stated): TOPMed below 0.00001; gnomAD 0.00001.
gnomAD v4.1: 3 of 1,546,862 alleles (0.00019%); highest among the groups gnomAD compares: African/African-American, 0.0014%; no homozygotes.

Submissions (3):

Ambry Genetics
Classification: Uncertain significance for Hereditary cancer-predisposing syndrome. Last evaluated: 2025-08-21. Review status: criteria provided, single submitter. Criteria: Ambry Variant Classification Scheme 2023. Collection method: clinical testing. Allele origin: germline.
Comment: The p.S11W variant (also known as c.32C>G), located in coding exon 1 of the FH gene, results from a C to G substitution at nucleotide position 32. The serine at codon 11 is replaced by tryptophan, an amino acid with highly dissimilar properties. This amino acid position is well conserved in available vertebrate species. In addition, the in silico prediction for this alteration is inconclusive. Based on the available evidence, the clinical significance of this variant remains unclear.

GeneDx
Classification: Uncertain significance. Last evaluated: 2024-01-17. Review status: criteria provided, single submitter. Criteria: GeneDx Variant Classification Process June 2021. Collection method: clinical testing. Allele origin: germline. Affected: yes.
Comment: Not observed at significant frequency in large population cohorts (gnomAD); In silico analysis supports that this missense variant does not alter protein structure/function; Has not been previously published as pathogenic or benign to our knowledge

Labcorp Genetics (formerly Invitae), Labcorp
Classification: Uncertain significance. Last evaluated: 2023-06-25. Review status: criteria provided, single submitter. Criteria: Invitae Variant Classification Sherloc (09022015). Collection method: clinical testing. Allele origin: germline.
Comment: Advanced modeling of protein sequence and biophysical properties (such as structural, functional, and spatial information, amino acid conservation, physicochemical variation, residue mobility, and thermodynamic stability) performed at Invitae indicates that this missense variant is not expected to disrupt FH protein function. This variant has not been reported in the literature in individuals affected with FH-related conditions. This variant is not present in population databases (gnomAD no frequency). This sequence change replaces serine, which is neutral and polar, with tryptophan, which is neutral and slightly polar, at codon 11 of the FH protein (p.Ser11Trp). In summary, the available evidence is currently insufficient to determine the role of this variant in disease. Therefore, it has been classified as a Variant of Uncertain Significance.